The following is an entry in ClinVar:

ClinVar aggregate classification (germline): Likely pathogenic (1 of 4 stars; one submission).

Conditions:
Fanconi anemia (FA). Also called: Fanconi's anemia. Identifiers: Orphanet 84, MedGen C0015625, MeSH D005199, MONDO:0019391.

Submission:

Labcorp Genetics (formerly Invitae), Labcorp
Classification: Likely pathogenic for Fanconi anemia. Last evaluated: 2022-08-10. Review status: criteria provided, single submitter. Criteria: Invitae Variant Classification Sherloc (09022015). Collection method: clinical testing. Allele origin: germline.
Comment: In summary, the currently available evidence indicates that the variant is pathogenic, but additional data are needed to prove that conclusively. Therefore, this variant has been classified as Likely Pathogenic. Algorithms developed to predict the effect of sequence changes on RNA splicing suggest that this variant may disrupt the consensus splice site. This variant has not been reported in the literature in individuals affected with FANCA-related conditions. This variant is present in population databases (no rsID available, gnomAD 0.01%). This sequence change affects an acceptor splice site in intron 7 of the FANCA gene. It is expected to disrupt RNA splicing. Variants that disrupt the donor or acceptor splice site typically lead to a loss of protein function (PMID: 16199547), and loss-of-function variants in FANCA are known to be pathogenic (PMID: 19367192).

Literature cited by the submitters: PubMed 16199547; PubMed 19367192.

NM_000135.4(FANCA):c.710-1G>T

Gene: FANCA (FA complementation group A; minus strand). Cytogenetic location: 16q24.3.
Variant type: single nucleotide variant.
Coding change: c.710-1G>T on transcript NM_000135.4 (MANE Select); the canonical splice acceptor site of the intron before coding-DNA position 710, G replaced by T.
Molecular consequence: splice acceptor variant.
Genome position (GRCh38, 1-based): chr16:89,803,342, C>A on the plus strand (G>T on the coding strand, the complement: FANCA is on the minus strand). VCF-style: chr16-89803342-C-A. GRCh37 (hg19) VCF-style: chr16-89869750-C-A.
Other names: c.710-1G>T (NM_001286167.3, NM_001018112.3); c.614-1G>T (NM_001351830.2).
Identifiers: ClinVar variation 2020025 (VCV002020025.4), dbSNP rs1388128874, ClinGen allele CA397476539.